The following is an entry in ClinVar:

NM_001291303.3(FAT4):c.9295A>G (p.Thr3099Ala)

Gene: FAT4 (FAT atypical cadherin 4; plus strand). Cytogenetic location: 4q28.1.
Variant type: single nucleotide variant.
Coding change: c.9295A>G on transcript NM_001291303.3 (MANE Select); coding-DNA position 9295, A replaced by G.
Protein change: p.Thr3099Ala; replaces threonine 3099 with alanine.
Molecular consequence: missense variant.
Genome position (GRCh38, 1-based): chr4:125,450,305, A>G. VCF-style: chr4-125450305-A-G. GRCh37 (hg19) VCF-style: chr4-126371460-A-G.
Other names: c.9295A>G, p.Thr3099Ala (NM_001291285.3); c.9289A>G, p.Thr3097Ala (NM_024582.6); short protein forms T3097A, T3099A.
Identifiers: ClinVar variation 2630526 (VCV002630526.1), dbSNP rs774158263, ClinGen allele CA3073501.
Genomic context (GRCh38, chr4:125,450,305, plus strand): 5'-ATAACTGTCACTGAGGAAAACTACCATACACCTGAATTCTCTCAAAGCCACATGAGTGCA[A>G]CCATCCCTGAGAGCCATAGCATTGGGTCCATTGTCAGAACTGTTTCTGCAAGAGATAGAG-3'
Protein context (NP_001278232.1, residues 3089-3109): PEFSQSHMSA[Thr3099Ala]IPESHSIGSI

ClinVar aggregate classification (germline): Uncertain significance (1 of 4 stars; one submission).

Conditions:
FAT4-related disorder. Also called: FAT4-related condition.

Allele frequency attached by ClinVar (database versions not stated): gnomAD exomes below 0.00001; ExAC 0.00001; gnomAD 0.00001; TOPMed 0.00003.
gnomAD v4.1: 4 of 1,614,018 alleles (0.00025%); highest among the groups gnomAD compares: African/African-American, 0.0053%; no homozygotes.

Submission:

PreventionGenetics, part of Exact Sciences
Classification: Uncertain significance for FAT4-related condition. Last evaluated: 2023-02-11. Review status: criteria provided, single submitter. Criteria: ACMG Guidelines, 2015. Collection method: clinical testing. Allele origin: germline.
Comment: The FAT4 c.9295A>G variant is predicted to result in the amino acid substitution p.Thr3099Ala. To our knowledge, this variant has not been reported in the literature. This variant is reported in 0.012% of alleles in individuals of African descent in gnomAD. At this time, the clinical significance of this variant is uncertain due to the absence of conclusive functional and genetic evidence.